The following is an entry in ClinVar:

ClinVar aggregate classification (germline): Uncertain significance (1 of 4 stars; one submission).

Conditions:
Vissers-Bodmer syndrome. Identifiers: MedGen C5436647, MONDO:0033618, OMIM 619033.

Submission:

Neuberg Centre For Genomic Medicine, NCGM
Classification: Uncertain significance for Vissers-Bodmer syndrome. Review status: criteria provided, single submitter. Criteria: ACMG Guidelines, 2015. Collection method: clinical testing. Allele origin: germline. Inheritance: Autosomal dominant inheritance. Affected: yes.
Comment: The splice region c.6603+3T>A variant in CNOT1 gene has not been reported previously as a pathogenic variant nor a benign variant, to our knowledge. The c.6603+3T>A variant is absent in gnomAD Exomes. This variant has not been submitted to the ClinVar database. SpliceAI predicts this variant to cause splice donor loss (0.06) suggesting a benign effect. For these reasons, this variant has been classified as a Variant of Uncertain Significance (VUS).

NM_016284.5(CNOT1):c.6603+3T>A

Gene: CNOT1 (CCR4-NOT transcription complex subunit 1; minus strand). Cytogenetic location: 16q21.
Variant type: single nucleotide variant.
Coding change: c.6603+3T>A on transcript NM_016284.5 (MANE Select); 3 bases into the intron after coding-DNA position 6603, T replaced by A.
Molecular consequence: intron variant.
Genome position (GRCh38, 1-based): chr16:58,525,986, A>T on the plus strand (T>A on the coding strand, the complement: CNOT1 is on the minus strand). VCF-style: chr16-58525986-A-T. GRCh37 (hg19) VCF-style: chr16-58559890-A-T.
Other names: c.6588+3T>A (NM_001265612.2).
Identifiers: ClinVar variation 3242137 (VCV003242137.1), dbSNP rs2543814884.